The following is an entry in ClinVar:

ClinVar aggregate classification (germline): Uncertain significance (1 of 4 stars; one submission).

Conditions:
FGA-related disorder. Also called: FGA-related disorders; FGA-related condition.

gnomAD v4.1: 49 of 1,610,490 alleles (0.003%); highest among the groups gnomAD compares: Non-Finnish European, 0.0022%; no homozygotes.

Submission:

PreventionGenetics, part of Exact Sciences
Classification: Uncertain significance for FGA-related condition. Last evaluated: 2022-08-18. Review status: criteria provided, single submitter. Criteria: ACMG Guidelines, 2015. Collection method: clinical testing. Allele origin: germline.
Comment: The FGA c.1898A>C variant is predicted to result in the amino acid substitution p.Asp633Ala. To our knowledge, this variant has not been reported in the literature. This variant is reported in 0.012% of alleles in individuals of European (Finnish) descent in gnomAD. At this time, the clinical significance of this variant is uncertain due to the absence of conclusive functional and genetic evidence.

NM_000508.5(FGA):c.1898A>C (p.Asp633Ala)

Gene: FGA (fibrinogen alpha chain; minus strand). Cytogenetic location: 4q31.3.
Variant type: single nucleotide variant.
Coding change: c.1898A>C on transcript NM_000508.5; coding-DNA position 1898, A replaced by C.
Protein change: p.Asp633Ala; replaces aspartic acid 633 with alanine.
Molecular consequence: missense variant.
Genome position (GRCh38, 1-based): chr4:154,584,827, T>G on the plus strand (A>C on the coding strand, the complement: FGA is on the minus strand). VCF-style: chr4-154584827-T-G. GRCh37 (hg19) VCF-style: chr4-155505979-T-G.
Other names: short protein forms D633A.
Identifiers: ClinVar variation 2636105 (VCV002636105.1), dbSNP rs568033755, ClinGen allele CA3114983.